The following is an entry in ClinVar:

ClinVar aggregate classification (germline): Uncertain significance. Review status: criteria provided, multiple submitters, no conflicts (2 of 4 stars). 2 submissions from 2 submitters: Uncertain significance (2). Last evaluated 2025-06-18.

Allele frequency attached by ClinVar (database versions not stated): gnomAD exomes below 0.00001 and 0.00001; ExAC 0.00002.
gnomAD v4.1: 1 of 1,614,192 alleles (0.000062%); highest among the groups gnomAD compares: South Asian, 0.0011%; no homozygotes.

Submissions (2):

Ambry Genetics
Classification: Uncertain significance. Last evaluated: 2025-06-18. Review status: criteria provided, single submitter. Criteria: Ambry Variant Classification Scheme 2023. Collection method: clinical testing. Allele origin: germline.

Labcorp Genetics (formerly Invitae), Labcorp
Classification: Uncertain significance. Last evaluated: 2022-07-25. Review status: criteria provided, single submitter. Criteria: Invitae Variant Classification Sherloc (09022015). Collection method: clinical testing. Allele origin: germline.
Comment: In summary, the available evidence is currently insufficient to determine the role of this variant in disease. Therefore, it has been classified as a Variant of Uncertain Significance. Algorithms developed to predict the effect of missense changes on protein structure and function are either unavailable or do not agree on the potential impact of this missense change (SIFT: "Not Available"; PolyPhen-2: "Probably Damaging"; Align-GVGD: "Not Available"). ClinVar contains an entry for this variant (Variation ID: 1473650). This variant has not been reported in the literature in individuals affected with KCNK4-related conditions. This variant is present in population databases (rs758483618, gnomAD 0.006%). This sequence change replaces cysteine, which is neutral and slightly polar, with arginine, which is basic and polar, at codon 120 of the KCNK4 protein (p.Cys120Arg).

NM_033310.3(KCNK4):c.358T>C (p.Cys120Arg)

Genes: KCNK4 (potassium two pore domain channel subfamily K member 4; plus strand), KCNK4-CATSPERZ (KCNK4-CATSPERZ readthrough (NMD candidate); plus strand). Cytogenetic location: 11q13.1.
Variant type: single nucleotide variant.
Coding change: c.358T>C on transcript NM_033310.3 (MANE Select); coding-DNA position 358, T replaced by C.
Protein change: p.Cys120Arg; replaces cysteine 120 with arginine.
Molecular consequence: missense variant. On other transcripts: non-coding transcript variant (3).
Genome position (GRCh38, 1-based): chr11:64,297,163, T>C. VCF-style: chr11-64297163-T-C. GRCh37 (hg19) VCF-style: chr11-64064635-T-C.
Other names: c.358T>C (NM_033310.2); c.358T>C, p.Cys120Arg (NM_001317090.2); short protein forms C120R.
Identifiers: ClinVar variation 1473650 (VCV001473650.9), dbSNP rs758483618, ClinGen allele CA6073028.
Genomic context (GRCh38, chr11:64,297,163, plus strand): 5'-TCGCCCCTCTGCCCAGGCTATGGCAATGTGGCCCTGCGCACAGATGCCGGGCGCCTCTTC[T>C]GCATCTTTTATGCGCTGGTGGGGATTCCGCTGTTTGGGATCCTACTGGCAGGGGTCGGGG-3'
Protein context (NP_201567.1, residues 110-130): ALRTDAGRLF[Cys120Arg]IFYALVGIPL